The following is an entry in ClinVar:

NM_000179.3(MSH6):c.1639del (p.Glu547fs)

Gene: MSH6 (mutS homolog 6; plus strand). Cytogenetic location: 2p16.3.
Variant type: Deletion.
Coding change: c.1639del on transcript NM_000179.3 (MANE Select); coding-DNA position 1639, one base deleted (G; older notation c.1639delG).
Protein change: p.Glu547fs; shifts the reading frame from glutamic acid 547.
Molecular consequence: frameshift variant.
Genome position (GRCh38, 1-based): chr2:47,799,622, G deleted; the last of 2 consecutive G bases (chr2:47,799,621-47,799,622); deleting either gives the same sequence. VCF-style (leftmost placement, unchanged base first): chr2-47799620-AG-A. GRCh37 (hg19) VCF-style: chr2-48026759-AG-A.
Other names: c.1249del, p.Glu417fs (NM_001281492.2); c.733del, p.Glu245fs (NM_001281493.2, NM_001281494.2); c.1639delG (NM_000179.2); short protein forms E245fs, E417fs, E547fs.
Identifiers: ClinVar variation 819724 (VCV000819724.7), dbSNP rs1572723786, ClinGen allele CA915943920.
Genomic context (GRCh38, chr2:47,799,620, plus strand): 5'-TGCTGGAAGGTGATCCCTCTGAGAACTACAGTAAGTATCTTCTTAGCCTCAAAGAAAAAG[AG>A]GAAGATTCTTCTGGCCATACTCGTGCATATGGTGTGTGCTTTGTTGATACTTCACTGGGA-3'

ClinVar aggregate classification (germline): Pathogenic/Likely pathogenic. Review status: criteria provided, multiple submitters, no conflicts (2 of 4 stars). 4 submissions from 4 submitters: Pathogenic (3); Likely pathogenic (1). Last evaluated 2025-07-14.

Conditions:
Hereditary nonpolyposis colorectal neoplasms. Identifiers: MedGen C0009405, MeSH D003123.
Hereditary cancer-predisposing syndrome. Also called: Neoplastic Syndromes, Hereditary; Tumor predisposition; Hereditary Cancer Syndrome; Hereditary neoplastic syndrome. Identifiers: Orphanet 140162, MedGen C0027672, MeSH D009386, MONDO:0015356.
Endometrial carcinoma. Also called: Endometrial carcinoma, somatic. Identifiers: MedGen C0476089, MONDO:0002447, OMIM 608089, HP:0012114.

Submissions (4):

Labcorp Genetics (formerly Invitae), Labcorp
Classification: Pathogenic for Hereditary nonpolyposis colorectal neoplasms. Last evaluated: 2025-07-14. Review status: criteria provided, single submitter. Criteria: Invitae Variant Classification Sherloc (09022015). Collection method: clinical testing. Allele origin: germline.
Comment: This sequence change creates a premature translational stop signal (p.Glu547Lysfs*24) in the MSH6 gene. It is expected to result in an absent or disrupted protein product. Loss-of-function variants in MSH6 are known to be pathogenic (PMID: 18269114, 24362816). This variant is not present in population databases (gnomAD no frequency). This variant has not been reported in the literature in individuals affected with MSH6-related conditions. ClinVar contains an entry for this variant (Variation ID: 819724). For these reasons, this variant has been classified as Pathogenic.

Quest Diagnostics Nichols Institute San Juan Capistrano
Classification: Pathogenic. Last evaluated: 2023-02-10. Review status: criteria provided, single submitter. Criteria: Quest Diagnostics criteria. Collection method: clinical testing. Allele origin: unknown.
Comment: This frameshift variant alters the translational reading frame of the MSH6 mRNA and causes the premature termination of MSH6 protein synthesis. The variant has not been reported in individuals with MSH6-related diseases in the published literature. It also has not been reported in large, multi-ethnic general populations. Based on the available information, this variant is classified as pathogenic.

CENTOGENE GmbH and LLC - Guiding Precision Medicine
Classification: Likely pathogenic for Endometrial carcinoma. Last evaluated: 2021-02-12. Review status: criteria provided, single submitter. Criteria: ACMG Guidelines, 2015. Collection method: clinical testing. Allele origin: somatic. Affected: yes.

Ambry Genetics
Classification: Pathogenic for Hereditary cancer-predisposing syndrome. Last evaluated: 2019-02-07. Review status: criteria provided, single submitter. Criteria: Ambry Variant Classification Scheme 2023. Collection method: clinical testing. Allele origin: germline.
Comment: The c.1639delG variant, located in coding exon 4 of the MSH6 gene, results from a deletion of one nucleotide at nucleotide position 1639, causing a translational frameshift with a predicted alternate stop codon (p.E547Kfs*24). This alteration is expected to result in loss of function by premature protein truncation or nonsense-mediated mRNA decay. As such, this alteration is interpreted as a disease-causing mutation.

Literature cited by the submitters: PubMed 18269114 (cited by Labcorp Genetics (formerly Invitae), Labcorp); PubMed 24362816 (cited by Labcorp Genetics (formerly Invitae), Labcorp).